The following is an entry in ClinVar:

ClinVar aggregate classification (germline): Conflicting classifications of pathogenicity. Review status: criteria provided, conflicting classifications (1 of 4 stars). 5 submissions from 5 submitters: Likely pathogenic (3); Uncertain significance (2). Last evaluated 2026-01-06.

Conditions:
Hereditary spherocytosis type 2. Also called: SPHEROCYTOSIS, TYPE 2, AUTOSOMAL DOMINANT. Identifiers: Orphanet 822, MedGen C2674219, MONDO:0000913, OMIM 616649.

Submissions (5):

GeneDx
Classification: Likely pathogenic. Last evaluated: 2026-01-06. Review status: criteria provided, single submitter. Criteria: GeneDx Variant Classification Process June 2021. Collection method: clinical testing. Allele origin: germline. Affected: yes.
Comment: Not observed at significant frequency in large population cohorts (gnomAD); In silico analysis supports a deleterious effect on splicing; This variant is associated with the following publications: (PMID: 34140613)

Labcorp Genetics (formerly Invitae), Labcorp
Classification: Uncertain significance. Last evaluated: 2025-08-13. Review status: criteria provided, single submitter. Criteria: Invitae Variant Classification Sherloc (09022015). Collection method: clinical testing. Allele origin: germline.
Comment: This sequence change falls in intron 10 of the SPTB gene. It does not directly change the encoded amino acid sequence of the SPTB protein. This variant is not present in population databases (gnomAD no frequency). This variant has been observed in individual(s) with SPTB-related conditions (PMID: 34140613). ClinVar contains an entry for this variant (Variation ID: 1163555). Algorithms developed to predict the effect of sequence changes on RNA splicing suggest that this variant may disrupt the consensus splice site. In summary, the available evidence is currently insufficient to determine the role of this variant in disease. Therefore, it has been classified as a Variant of Uncertain Significance.

3billion
Classification: Likely pathogenic for Hereditary spherocytosis type 2. Last evaluated: 2024-11-22. Review status: criteria provided, single submitter. Criteria: ACMG Guidelines, 2015. Collection method: clinical testing. Allele origin: germline. Affected: yes.
Comment: The variant is not observed in the gnomAD v4.1.0 dataset. Predicted Consequence/Location: Intron variant In silico tools predict the variant to alter splicing and produce an abnormal transcript [SpliceAI: 1.00 (>=0.2, moderate evidence for spliceogenicity)]. The variant has been previously reported as assumed (i.e. paternity and maternity not confirmed) de novo in at least one similarly affected unrelated individual (PMID: 34140613). The variant has been reported to be associated with SPTB related disorder (PMID: 34140613). Therefore, this variant is classified as Likely pathogenic according to the recommendation of ACMG/AMP guideline.

Revvity Omics, Revvity
Classification: Likely pathogenic. Last evaluated: 2024-03-11. Review status: criteria provided, single submitter. Criteria: ACMG Guidelines, 2015. Collection method: clinical testing. Allele origin: germline.

Mayo Clinic Laboratories, Mayo Clinic
Classification: Uncertain significance. Last evaluated: 2021-04-06. Review status: criteria provided, single submitter. Criteria: ACMG Guidelines, 2015. Collection method: clinical testing. Allele origin: germline.

Literature cited by the submitters: PubMed 34140613 (cited by Labcorp Genetics (formerly Invitae), Labcorp and 3billion).

NM_001355436.2(SPTB):c.1342-10G>A

Gene: SPTB (spectrin beta, erythrocytic; minus strand). Cytogenetic location: 14q23.3.
Variant type: single nucleotide variant.
Coding change: c.1342-10G>A on transcript NM_001355436.2 (MANE Select); 10 bases into the intron before coding-DNA position 1342, G replaced by A.
Molecular consequence: intron variant.
Genome position (GRCh38, 1-based): chr14:64,795,649, C>T on the plus strand (G>A on the coding strand, the complement: SPTB is on the minus strand). VCF-style: chr14-64795649-C-T. GRCh37 (hg19) VCF-style: chr14-65262367-C-T.
Other names: c.1342-10G>A (NM_001024858.4, NM_001355437.2).
Identifiers: ClinVar variation 1163555 (VCV001163555.18), dbSNP rs1037576854, ClinGen allele CA2499222662.
Genomic context (GRCh38, chr14:64,795,649, plus strand): 5'-ATGCTTCTTCTTGGCGGCCTCCACAGCTGCCAGGTCATACCCAAAGTTATCCTGCCCCAC[C>T]GGGAGAAAAACAGGCAGCTCAGTCAGACACCCAGGGGCTCATCCCCAAACTCAGGGACAG-3'